The following is an entry in ClinVar:

ClinVar aggregate classification (germline): Uncertain significance. Review status: criteria provided, multiple submitters, no conflicts (2 of 4 stars). 2 submissions from 2 submitters: Uncertain significance (2). Last evaluated 2025-06-19.

Conditions:
Inborn genetic diseases. Identifiers: MedGen C0950123, MeSH D030342.
Lipoic acid synthetase deficiency. Also called: HYPERGLYCINEMIA, LACTIC ACIDOSIS, AND SEIZURES. Identifiers: Orphanet 401859, MedGen C3280887, MONDO:0013762, OMIM 614462.

Allele frequency attached by ClinVar (database versions not stated): gnomAD 0.00001.
gnomAD v4.1: 2 of 1,608,336 alleles (0.00012%); highest among the groups gnomAD compares: East Asian, 0.0045%; no homozygotes.

Submissions (2):

Ambry Genetics
Classification: Uncertain significance for Inborn genetic diseases. Last evaluated: 2025-06-19. Review status: criteria provided, single submitter. Criteria: Ambry Variant Classification Scheme 2023. Collection method: clinical testing. Allele origin: germline.

Labcorp Genetics (formerly Invitae), Labcorp
Classification: Uncertain significance for Lipoic acid synthetase deficiency. Last evaluated: 2024-04-29. Review status: criteria provided, single submitter. Criteria: Invitae Variant Classification Sherloc (09022015). Collection method: clinical testing. Allele origin: germline.
Comment: This sequence change replaces glutamine, which is neutral and polar, with glutamic acid, which is acidic and polar, at codon 257 of the LIAS protein (p.Gln257Glu). This variant is present in population databases (no rsID available, gnomAD 0.06%). This variant has not been reported in the literature in individuals affected with LIAS-related conditions. ClinVar contains an entry for this variant (Variation ID: 658876). Advanced modeling of protein sequence and biophysical properties (such as structural, functional, and spatial information, amino acid conservation, physicochemical variation, residue mobility, and thermodynamic stability) performed at Invitae indicates that this missense variant is expected to disrupt LIAS protein function with a positive predictive value of 80%. In summary, the available evidence is currently insufficient to determine the role of this variant in disease. Therefore, it has been classified as a Variant of Uncertain Significance.

NM_006859.4(LIAS):c.769C>G (p.Gln257Glu)

Gene: LIAS (lipoic acid synthetase; plus strand). Cytogenetic location: 4p14.
Variant type: single nucleotide variant.
Coding change: c.769C>G on transcript NM_006859.4 (MANE Select); coding-DNA position 769, C replaced by G.
Protein change: p.Gln257Glu; replaces glutamine 257 with glutamic acid.
Molecular consequence: missense variant.
Genome position (GRCh38, 1-based): chr4:39,470,050, C>G. VCF-style: chr4-39470050-C-G. GRCh37 (hg19) VCF-style: chr4-39471670-C-G.
Other names: c.640C>G, p.Gln214Glu (NM_001278590.2); c.460C>G, p.Gln154Glu (NM_001363700.2); c.769C>G, p.Gln257Glu (NM_194451.3); c.769C>G (NM_006859.2); short protein forms Q154E, Q214E, Q257E.
Identifiers: ClinVar variation 658876 (VCV000658876.11), dbSNP rs1427248293, ClinGen allele CA356665187.